The following is an entry in ClinVar:

ClinVar aggregate classification (germline): Uncertain significance (1 of 4 stars; one submission).

Conditions:
Left ventricular noncompaction 8 (LVNC8). Identifiers: Orphanet 154, Orphanet 54260, MedGen C3809288, MONDO:0014152, OMIM 615373.

gnomAD v4.1: 1 of 1,613,908 alleles (0.000062%); highest among the groups gnomAD compares: Non-Finnish European, 0.000085%; no homozygotes.

Submission:

Labcorp Genetics (formerly Invitae), Labcorp
Classification: Uncertain significance for Left ventricular noncompaction 8. Last evaluated: 2025-09-29. Review status: criteria provided, single submitter. Criteria: Invitae Variant Classification Sherloc (09022015). Collection method: clinical testing. Allele origin: germline.
Comment: This sequence change replaces cysteine, which is neutral and slightly polar, with tyrosine, which is neutral and polar, at codon 143 of the PRDM16 protein (p.Cys143Tyr). This variant is not present in population databases (gnomAD no frequency). This variant has not been reported in the literature in individuals affected with PRDM16-related conditions. An algorithm developed to predict the effect of missense changes on protein structure and function (PolyPhen-2) suggests that this variant is likely to be tolerated. In summary, the available evidence is currently insufficient to determine the role of this variant in disease. Therefore, it has been classified as a Variant of Uncertain Significance.

NM_022114.4(PRDM16):c.428G>A (p.Cys143Tyr)

Gene: PRDM16 (PR/SET domain 16; plus strand). Cytogenetic location: 1p36.32.
Variant type: single nucleotide variant.
Coding change: c.428G>A on transcript NM_022114.4 (MANE Select); coding-DNA position 428, G replaced by A.
Protein change: p.Cys143Tyr; replaces cysteine 143 with tyrosine.
Molecular consequence: missense variant.
Genome position (GRCh38, 1-based): chr1:3,244,127, G>A. VCF-style: chr1-3244127-G-A. GRCh37 (hg19) VCF-style: chr1-3160691-G-A.
Other names: c.428G>A, p.Cys143Tyr (NM_199454.3); short protein forms C143Y.
Identifiers: ClinVar variation 4805707 (VCV004805707.1).
Genomic context (GRCh38, chr1:3,244,127, plus strand): 5'-CTCTCAAAATTGTTTTGCAGCAAATACTGACGGACGTGGAAGTGTCGCCCCAGGAAGGCT[G>A]CATCACAAAGGTAGGAGAGCTCGCCCTGCGCCGTCTCAGCTCCCCAGCGTCCTCGGAGCT-3'
Protein context (NP_071397.3, residues 133-153): TDVEVSPQEG[Cys143Tyr]ITKISEDLGS